The following is an entry in ClinVar:

ClinVar aggregate classification (germline): Uncertain significance (1 of 4 stars; one submission).

Conditions:
Focal segmental glomerulosclerosis 5 (FSGS5). Identifiers: Orphanet 656, MedGen C2750475, MONDO:0013191, OMIM 613237.
Charcot-Marie-Tooth disease dominant intermediate E. Also called: CHARCOT-MARIE-TOOTH NEUROPATHY WITH FOCAL SEGMENTAL GLOMERULONEPHRITIS. Identifiers: Orphanet 93114, MedGen C4302667, MONDO:0013758, OMIM 614455.

Submission:

Labcorp Genetics (formerly Invitae), Labcorp
Classification: Uncertain significance for Charcot-Marie-Tooth disease dominant intermediate E; Focal segmental glomerulosclerosis 5. Last evaluated: 2022-10-18. Review status: criteria provided, single submitter. Criteria: Invitae Variant Classification Sherloc (09022015). Collection method: clinical testing. Allele origin: germline.
Comment: This sequence change replaces glycine, which is neutral and non-polar, with aspartic acid, which is acidic and polar, at codon 509 of the INF2 protein (p.Gly509Asp). This variant is not present in population databases (gnomAD no frequency). This variant has not been reported in the literature in individuals affected with INF2-related conditions. Advanced modeling of protein sequence and biophysical properties (such as structural, functional, and spatial information, amino acid conservation, physicochemical variation, residue mobility, and thermodynamic stability) performed at Invitae indicates that this missense variant is not expected to disrupt INF2 protein function. In summary, the available evidence is currently insufficient to determine the role of this variant in disease. Therefore, it has been classified as a Variant of Uncertain Significance.

NM_022489.4(INF2):c.1526G>A (p.Gly509Asp)

Gene: INF2 (inverted formin 2; plus strand). Cytogenetic location: 14q32.33.
Variant type: single nucleotide variant.
Coding change: c.1526G>A on transcript NM_022489.4 (MANE Select); coding-DNA position 1526, G replaced by A.
Protein change: p.Gly509Asp; replaces glycine 509 with aspartic acid.
Molecular consequence: missense variant.
Genome position (GRCh38, 1-based): chr14:104,707,793, G>A. VCF-style: chr14-104707793-G-A. GRCh37 (hg19) VCF-style: chr14-105174130-G-A.
Other names: c.1526G>A, p.Gly509Asp (NM_001031714.4); short protein forms G509D.
Identifiers: ClinVar variation 1945813 (VCV001945813.5), dbSNP rs2541921511, ClinGen allele CA391217396.